The following is an entry in ClinVar:

ClinVar aggregate classification (germline): Uncertain significance. Review status: criteria provided, multiple submitters, no conflicts (2 of 4 stars). 2 submissions from 2 submitters: Uncertain significance (2). Last evaluated 2024-09-11.

Conditions:
Hypertrophic cardiomyopathy. Also called: HYPERTROPHIC MYOCARDIOPATHY. Identifiers: Orphanet 217569, MedGen C0007194, MeSH D002312, MONDO:0005045, HP:0001639.
MYH7-related disorder. Also called: MYH7-related disorders; MYH7-related condition; MYH7-related disease.

Submissions (2):

Labcorp Genetics (formerly Invitae), Labcorp
Classification: Uncertain significance for Hypertrophic cardiomyopathy. Last evaluated: 2024-09-11. Review status: criteria provided, single submitter. Criteria: Invitae Variant Classification Sherloc (09022015). Collection method: clinical testing. Allele origin: germline.
Comment: This sequence change replaces threonine, which is neutral and polar, with isoleucine, which is neutral and non-polar, at codon 646 of the MYH7 protein (p.Thr646Ile). This variant is not present in population databases (gnomAD no frequency). This variant has not been reported in the literature in individuals affected with MYH7-related conditions. ClinVar contains an entry for this variant (Variation ID: 2635350). Invitae Evidence Modeling of protein sequence and biophysical properties (such as structural, functional, and spatial information, amino acid conservation, physicochemical variation, residue mobility, and thermodynamic stability) indicates that this missense variant is expected to disrupt MYH7 protein function with a positive predictive value of 95%. In summary, the available evidence is currently insufficient to determine the role of this variant in disease. Therefore, it has been classified as a Variant of Uncertain Significance.

PreventionGenetics, part of Exact Sciences
Classification: Uncertain significance for MYH7-related condition. Last evaluated: 2022-12-05. Review status: criteria provided, single submitter. Criteria: ACMG Guidelines, 2015. Collection method: clinical testing. Allele origin: germline.
Comment: The MYH7 c.1937C>T variant is predicted to result in the amino acid substitution p.Thr646Ile. To our knowledge, this variant has not been reported in the literature or in a large population database, indicating this variant is rare. Although we suspect that this variant may be pathogenic, at this time, the clinical significance of this variant is uncertain due to the absence of conclusive functional and genetic evidence.

NM_000257.4(MYH7):c.1937C>T (p.Thr646Ile)

Gene: MYH7 (myosin heavy chain 7; minus strand). Cytogenetic location: 14q11.2.
Variant type: single nucleotide variant.
Coding change: c.1937C>T on transcript NM_000257.4 (MANE Select); coding-DNA position 1937, C replaced by T.
Protein change: p.Thr646Ile; replaces threonine 646 with isoleucine.
Molecular consequence: missense variant.
Genome position (GRCh38, 1-based): chr14:23,427,259, G>A on the plus strand (C>T on the coding strand, the complement: MYH7 is on the minus strand). VCF-style: chr14-23427259-G-A. GRCh37 (hg19) VCF-style: chr14-23896468-G-A.
Other names: c.1937C>T, p.Thr646Ile (NM_001407004.1); short protein forms T646I.
Identifiers: ClinVar variation 2635350 (VCV002635350.3), dbSNP rs2502294777, ClinGen allele CA389049492.